The following is an entry in ClinVar:

ClinVar aggregate classification (germline): Uncertain significance. Review status: criteria provided, multiple submitters, no conflicts (2 of 4 stars). 2 submissions from 2 submitters: Uncertain significance (2). Last evaluated 2023-04-04.

Allele frequency attached by ClinVar (database versions not stated): ExAC 0.00003; TOPMed 0.00006; ESP Exome Variant Server 0.00008; gnomAD 0.00008 and 0.00009.
gnomAD v4.1: 145 of 1,600,582 alleles (0.0091%); highest among the groups gnomAD compares: Middle Eastern, 0.036%; no homozygotes.

Submissions (2):

Ambry Genetics
Classification: Uncertain significance. Last evaluated: 2023-04-04. Review status: criteria provided, single submitter. Criteria: Ambry Variant Classification Scheme 2023. Collection method: clinical testing. Allele origin: germline.

Labcorp Genetics (formerly Invitae), Labcorp
Classification: Uncertain significance. Last evaluated: 2022-11-01. Review status: criteria provided, single submitter. Criteria: Invitae Variant Classification Sherloc (09022015). Collection method: clinical testing. Allele origin: germline.
Comment: This sequence change replaces serine, which is neutral and polar, with leucine, which is neutral and non-polar, at codon 121 of the CFD protein (p.Ser121Leu). This variant is present in population databases (rs375772213, gnomAD 0.009%). This variant has not been reported in the literature in individuals affected with CFD-related conditions. ClinVar contains an entry for this variant (Variation ID: 1428792). Algorithms developed to predict the effect of missense changes on protein structure and function are either unavailable or do not agree on the potential impact of this missense change (SIFT: "Not Available"; PolyPhen-2: "Possibly Damaging"; Align-GVGD: "Not Available"). In summary, the available evidence is currently insufficient to determine the role of this variant in disease. Therefore, it has been classified as a Variant of Uncertain Significance.

NM_001928.4(CFD):c.362C>T (p.Ser121Leu)

Gene: CFD (complement factor D; plus strand). Cytogenetic location: 19p13.3.
Variant type: single nucleotide variant.
Coding change: c.362C>T on transcript NM_001928.4 (MANE Select); coding-DNA position 362, C replaced by T.
Protein change: p.Ser121Leu; replaces serine 121 with leucine.
Molecular consequence: missense variant.
Genome position (GRCh38, 1-based): chr19:861,703, C>T. VCF-style: chr19-861703-C-T. GRCh37 (hg19) VCF-style: chr19-861703-C-T.
Other names: c.383C>T, p.Ser128Leu (NM_001317335.2); c.362C>T (NM_001928.2); short protein forms S128L, S121L.
Identifiers: ClinVar variation 1428792 (VCV001428792.6), dbSNP rs375772213, ClinGen allele CA9026345.